The following is an entry in ClinVar:

ClinVar aggregate classification (germline): Uncertain significance (1 of 4 stars; one submission).

gnomAD v4.1: 1 of 1,606,416 alleles (0.000062%); highest among the groups gnomAD compares: African/African-American, 0.0013%; no homozygotes.

Submission:

Ambry Genetics
Classification: Uncertain significance. Last evaluated: 2024-09-05. Review status: criteria provided, single submitter. Criteria: Ambry Variant Classification Scheme 2023. Collection method: clinical testing. Allele origin: germline.
Comment: The p.L454V variant (also known as c.1360C>G), located in coding exon 10 of the RINT1 gene, results from a C to G substitution at nucleotide position 1360. The leucine at codon 454 is replaced by valine, an amino acid with highly similar properties. This amino acid position is conserved. In addition, the in silico prediction for this alteration is inconclusive. Based on the available evidence, the clinical significance of this variant remains unclear.

NM_021930.6(RINT1):c.1360C>G (p.Leu454Val)

Gene: RINT1 (RAD50 interactor 1; plus strand). Cytogenetic location: 7q22.3.
Variant type: single nucleotide variant.
Coding change: c.1360C>G on transcript NM_021930.6 (MANE Select); coding-DNA position 1360, C replaced by G.
Protein change: p.Leu454Val; replaces leucine 454 with valine.
Molecular consequence: missense variant. On other transcripts: non-coding transcript variant (1).
Genome position (GRCh38, 1-based): chr7:105,551,596, C>G. VCF-style: chr7-105551596-C-G. GRCh37 (hg19) VCF-style: chr7-105192043-C-G.
Other names: c.1126C>G, p.Leu376Val (NM_001346599.2); c.337C>G, p.Leu113Val (NM_001346600.2, NM_001346603.2); c.436C>G, p.Leu146Val (NM_001346601.2); short protein forms L113V, L454V, L146V, L376V.
Identifiers: ClinVar variation 3433617 (VCV003433617.1).